The following is an entry in ClinVar:

ClinVar aggregate classification (germline): Uncertain significance (1 of 4 stars; one submission).

Conditions:
Neurodegeneration with brain iron accumulation 6 (NBIA6). Also called: COASY protein-associated neurodegeneration. Identifiers: Orphanet 397725, MedGen C4517377, MONDO:0014290, OMIM 615643.

Allele frequency attached by ClinVar (database versions not stated): TOPMed 0.00001.
gnomAD v4.1: 1 of 1,613,688 alleles (0.000062%); no homozygotes.

Submission:

Labcorp Genetics (formerly Invitae), Labcorp
Classification: Uncertain significance for Neurodegeneration with brain iron accumulation 6. Last evaluated: 2022-02-24. Review status: criteria provided, single submitter. Criteria: Invitae Variant Classification Sherloc (09022015). Collection method: clinical testing. Allele origin: germline.
Comment: In summary, the available evidence is currently insufficient to determine the role of this variant in disease. Therefore, it has been classified as a Variant of Uncertain Significance. This variant is not present in population databases (gnomAD no frequency). This variant has not been reported in the literature in individuals affected with COASY-related conditions. Algorithms developed to predict the effect of missense changes on protein structure and function output the following: SIFT: "Tolerated"; PolyPhen-2: "Benign"; Align-GVGD: "Class C0". The isoleucine amino acid residue is found in multiple mammalian species, which suggests that this missense change does not adversely affect protein function. This sequence change replaces methionine, which is neutral and non-polar, with isoleucine, which is neutral and non-polar, at codon 340 of the COASY protein (p.Met340Ile).

NM_025233.7(COASY):c.1020G>T (p.Met340Ile)

Gene: COASY (Coenzyme A synthase; plus strand). Cytogenetic location: 17q21.2.
Variant type: single nucleotide variant.
Coding change: c.1020G>T on transcript NM_025233.7 (MANE Select); coding-DNA position 1020, G replaced by T.
Protein change: p.Met340Ile; replaces methionine 340 with isoleucine.
Molecular consequence: missense variant.
Genome position (GRCh38, 1-based): chr17:42,564,550, G>T. VCF-style: chr17-42564550-G-T. GRCh37 (hg19) VCF-style: chr17-40716568-G-T.
Other names: c.1020G>T, p.Met340Ile (NM_001042529.3); c.1107G>T, p.Met369Ile (NM_001042532.4); short protein forms M369I, M340I.
Identifiers: ClinVar variation 1503536 (VCV001503536.6), dbSNP rs1000096293, ClinGen allele CA399596715.